The following is an entry in ClinVar:

NM_001330700.2(TOP2B):c.1899C>G (p.Tyr633Ter)

Gene: TOP2B (DNA topoisomerase II beta; minus strand). Cytogenetic location: 3p24.2.
Variant type: single nucleotide variant.
Coding change: c.1899C>G on transcript NM_001330700.2 (MANE Select); coding-DNA position 1899, C replaced by G.
Protein change: p.Tyr633Ter; replaces tyrosine 633 with a stop codon.
Molecular consequence: nonsense.
Genome position (GRCh38, 1-based): chr3:25,628,854, G>C on the plus strand (C>G on the coding strand, the complement: TOP2B is on the minus strand). VCF-style: chr3-25628854-G-C. GRCh37 (hg19) VCF-style: chr3-25670345-G-C.
Other names: c.1884C>G, p.Tyr628Ter (NM_001068.3); short protein forms Y628*, Y633*.
Identifiers: ClinVar variation 3893523 (VCV003893523.1).

ClinVar aggregate classification (germline): Uncertain significance (1 of 4 stars; one submission).

Submission:

GeneDx
Classification: Uncertain significance. Last evaluated: 2024-10-22. Review status: criteria provided, single submitter. Criteria: GeneDx Variant Classification Process June 2021. Collection method: clinical testing. Allele origin: germline. Affected: yes.
Comment: Not observed at significant frequency in large population cohorts (gnomAD); Has not been previously published as pathogenic or benign to our knowledge; Nonsense variant predicted to result in protein truncation or nonsense mediated decay in a gene for which loss-of-function is not a known mechanism of disease